The following is an entry in ClinVar:

NM_000195.5(HPS1):c.1456T>G (p.Phe486Val)

Gene: HPS1 (HPS1 biogenesis of lysosomal organelles complex 3 subunit 1; minus strand). Cytogenetic location: 10q24.2.
Variant type: single nucleotide variant.
Coding change: c.1456T>G on transcript NM_000195.5 (MANE Select); coding-DNA position 1456, T replaced by G.
Protein change: p.Phe486Val; replaces phenylalanine 486 with valine.
Molecular consequence: missense variant.
Genome position (GRCh38, 1-based): chr10:98,423,829, A>C on the plus strand (T>G on the coding strand, the complement: HPS1 is on the minus strand). VCF-style: chr10-98423829-A-C. GRCh37 (hg19) VCF-style: chr10-100183586-A-C.
Other names: c.484T>G, p.Phe162Val (NM_001311345.2, NM_001322487.2, NM_001322489.2); c.1456T>G, p.Phe486Val (NM_001322476.2, NM_001322477.2); c.1357T>G, p.Phe453Val (NM_001322478.2, NM_001322479.2); c.1195T>G, p.Phe399Val (NM_001322480.2, NM_001322481.2); c.1096T>G, p.Phe366Val (NM_001322482.2); c.1087T>G, p.Phe363Val (NM_001322483.2, NM_001322484.2); c.988T>G, p.Phe330Val (NM_001322485.2); short protein forms F330V, F366V, F399V, F453V, F486V, F363V, F162V.
Identifiers: ClinVar variation 2168639 (VCV002168639.1), dbSNP rs2538810340, ClinGen allele CA378046137.

ClinVar aggregate classification (germline): Uncertain significance (1 of 4 stars; one submission).

Allele frequency attached by ClinVar (database versions not stated): gnomAD exomes 0.00001.
gnomAD v4.1: 8 of 1,613,978 alleles (0.0005%); highest among the groups gnomAD compares: Non-Finnish European, 0.00059%; no homozygotes.

Submission:

Labcorp Genetics (formerly Invitae), Labcorp
Classification: Uncertain significance. Last evaluated: 2022-10-13. Review status: criteria provided, single submitter. Criteria: Invitae Variant Classification Sherloc (09022015). Collection method: clinical testing. Allele origin: germline.
Comment: This sequence change replaces phenylalanine, which is neutral and non-polar, with valine, which is neutral and non-polar, at codon 486 of the HPS1 protein (p.Phe486Val). This variant is not present in population databases (gnomAD no frequency). This variant has not been reported in the literature in individuals affected with HPS1-related conditions. Advanced modeling of protein sequence and biophysical properties (such as structural, functional, and spatial information, amino acid conservation, physicochemical variation, residue mobility, and thermodynamic stability) has been performed at Invitae for this missense variant, however the output from this modeling did not meet the statistical confidence thresholds required to predict the impact of this variant on HPS1 protein function. In summary, the available evidence is currently insufficient to determine the role of this variant in disease. Therefore, it has been classified as a Variant of Uncertain Significance.